The following is an entry in ClinVar:

ClinVar aggregate classification (germline): Conflicting classifications of pathogenicity. Review status: criteria provided, conflicting classifications (1 of 4 stars). 4 submissions from 4 submitters: Uncertain significance (1); Likely benign (3). Last evaluated 2026-09-01.

Conditions:
Osteopetrosis. Identifiers: Orphanet 2781, MedGen C0029454, MONDO:0017198, HP:0011002.

Allele frequency attached by ClinVar (database versions not stated): ExAC 0.00005; gnomAD exomes 0.00005; TOPMed 0.00010; gnomAD 0.00012 and 0.00013; 1000 Genomes Project 30x 0.00016; 1000 Genomes Project 0.00020.
gnomAD v4.1: 59 of 1,551,760 alleles (0.0038%); highest among the groups gnomAD compares: Admixed American, 0.018%; 1 homozygote.

Submissions (4):

CeGaT Center for Human Genetics Tuebingen
Classification: Likely benign. Last evaluated: 2026-09-01. Review status: criteria provided, single submitter. Criteria: CeGaT Center For Human Genetics Tuebingen Variant Classification Criteria Version 2. Collection method: clinical testing. Allele origin: germline. Affected: yes. Observed: 2 variant alleles.
Comment: CLCN7: BP4, BP7

Labcorp Genetics (formerly Invitae), Labcorp
Classification: Likely benign. Last evaluated: 2025-10-20. Review status: criteria provided, single submitter. Criteria: Invitae Variant Classification Sherloc (09022015). Collection method: clinical testing. Allele origin: germline.

Blueprint Genetics
Classification: Likely benign. Last evaluated: 2021-12-09. Review status: criteria provided, single submitter. Criteria: ACMG Guidelines, 2015. Collection method: clinical testing. Allele origin: germline.

Illumina Laboratory Services, Illumina
Classification: Uncertain significance for Osteopetrosis. Last evaluated: 2018-01-13. Review status: criteria provided, single submitter. Criteria: ICSL Variant Classification Criteria 13 December 2019. Collection method: clinical testing. Allele origin: germline.

NM_001287.6(CLCN7):c.2214C>T (p.Ser738=)

Gene: CLCN7 (Cl-/H+ antiporter 7; minus strand). Cytogenetic location: 16p13.3.
Variant type: single nucleotide variant.
Coding change: c.2214C>T on transcript NM_001287.6 (MANE Select); coding-DNA position 2214, C replaced by T.
Protein change: p.Ser738=; no amino-acid change (serine 738 retained).
Molecular consequence: synonymous variant.
Genome position (GRCh38, 1-based): chr16:1,447,428, G>A on the plus strand (C>T on the coding strand, the complement: CLCN7 is on the minus strand). VCF-style: chr16-1447428-G-A. GRCh37 (hg19) VCF-style: chr16-1497429-G-A.
Other names: c.2142C>T, p.Ser714= (NM_001114331.3).
Identifiers: ClinVar variation 317943 (VCV000317943.20), dbSNP rs531105528, ClinGen allele CA7809898.